The following is an entry in ClinVar:

ClinVar aggregate classification (germline): Uncertain significance (1 of 4 stars; one submission).

Submission:

Ambry Genetics
Classification: Uncertain significance. Last evaluated: 2026-03-14. Review status: criteria provided, single submitter. Criteria: Ambry Variant Classification Scheme 2023. Collection method: clinical testing. Allele origin: germline.
Comment: The p.E123K variant (also known as c.367G>A), located in coding exon 2 of the ATRIP gene, results from a G to A substitution at nucleotide position 367. The glutamic acid at codon 123 is replaced by lysine, an amino acid with similar properties. This amino acid position is conserved. In addition, this alteration is predicted to be tolerated by in silico analysis. Based on the available evidence, the clinical significance of this variant remains unclear.

NM_130384.3(ATRIP):c.367G>A (p.Glu123Lys)

Genes: ATRIP (ATR interacting protein; plus strand), ATRIP-TREX1 (ATRIP-TREX1 readthrough; plus strand). Cytogenetic location: 3p21.31.
Variant type: single nucleotide variant.
Coding change: c.367G>A on transcript NM_130384.3 (MANE Select); coding-DNA position 367, G replaced by A.
Protein change: p.Glu123Lys; replaces glutamic acid 123 with lysine.
Molecular consequence: missense variant. On other transcripts: non-coding transcript variant (1), 5 prime UTR variant (1).
Genome position (GRCh38, 1-based): chr3:48,450,156, G>A. VCF-style: chr3-48450156-G-A. GRCh37 (hg19) VCF-style: chr3-48491562-G-A.
Other names: c.-98G>A (NM_001271022.2); c.88G>A, p.Glu30Lys (NM_001271023.2); c.367G>A, p.Glu123Lys (NM_032166.4); short protein forms E123K, E30K.
Identifiers: ClinVar variation 4826288 (VCV004826288.1).